The following is an entry in ClinVar:

NM_194277.3(FRMD7):c.910C>T (p.Arg304Ter)

Gene: FRMD7 (FERM domain containing 7; minus strand). Cytogenetic location: Xq26.2.
Variant type: single nucleotide variant.
Coding change: c.910C>T on transcript NM_194277.3 (MANE Select); coding-DNA position 910, C replaced by T.
Protein change: p.Arg304Ter; replaces arginine 304 with a stop codon.
Molecular consequence: nonsense.
Genome position (GRCh38, 1-based): chrX:132,080,262, G>A on the plus strand (C>T on the coding strand, the complement: FRMD7 is on the minus strand). VCF-style: chrX-132080262-G-A. GRCh37 (hg19) VCF-style: chrX-131214290-G-A.
Other names: c.865C>T, p.Arg289Ter (NM_001306193.2); short protein forms R289*, R304*.
Identifiers: ClinVar variation 2737370 (VCV002737370.4), dbSNP rs1043225481, ClinGen allele CA335857581.

ClinVar aggregate classification (germline): Pathogenic. Review status: criteria provided, multiple submitters, no conflicts (2 of 4 stars). 3 submissions from 3 submitters: Pathogenic (3). Last evaluated 2025-06-17.

Conditions:
FRMD7-related disorders.
Nystagmus 1, congenital, X-linked. Also called: NYSTAGMUS 1, INFANTILE, X-LINKED; NYSTAGMUS, CONGENITAL MOTOR, 1; NYSTAGMUS, INFANTILE IDIOPATHIC; NYSTAGMUS, INFANTILE PERIODIC ALTERNATING, X-LINKED; FRMD7-Related Infantile Nystagmus. Identifiers: MedGen C1839580, MONDO:0010693, OMIM 310700.

Allele frequency attached by ClinVar (database versions not stated): gnomAD exomes below 0.00001; TOPMed below 0.00001.

Submissions (3):

Variantyx, Inc.
Classification: Pathogenic for Nystagmus 1, congenital, X-linked. Last evaluated: 2025-06-17. Review status: criteria provided, single submitter. Criteria: Variantyx Assertion Criteria 2022. Collection method: clinical testing. Allele origin: maternal. Inheritance: X-linked inheritance.
Comment: This is a nonsense variant in the FRMD7 gene (OMIM: 300628). Pathogenic variants in this gene have been associated with X-linked congenital nystagmus 1. This variant introduces a premature termination codon in exon 10 out of 12 and is expected to result in loss of function, which is a known disease mechanism for FRMD7 in this disorder (PMID: 18431453) (PVS1). This variant has been reported in at least 2 affected individuals (PMID: 18431453) (PS4), and has a 0.0005% maximum allele frequency in non-founder control populations (PM2). Based on the current evidence, this variant is classified as pathogenic for X-linked congenital nystagmus 1.

Labcorp Genetics (formerly Invitae), Labcorp
Classification: Pathogenic. Last evaluated: 2023-10-15. Review status: criteria provided, single submitter. Criteria: Invitae Variant Classification Sherloc (09022015). Collection method: clinical testing. Allele origin: germline.
Comment: This sequence change creates a premature translational stop signal (p.Arg304*) in the FRMD7 gene. It is expected to result in an absent or disrupted protein product. Loss-of-function variants in FRMD7 are known to be pathogenic (PMID: 17013395). This variant is present in population databases (no rsID available, gnomAD 0.001%). This premature translational stop signal has been observed in individual(s) with infantile nystagmus (PMID: 18431453, 25678693). It has also been observed to segregate with disease in related individuals. For these reasons, this variant has been classified as Pathogenic.

Blueprint Genetics
Classification: Pathogenic for FRMD7-related disorders. Last evaluated: 2023-07-12. Review status: criteria provided, single submitter. Criteria: ACMG Guidelines, 2015. Collection method: clinical testing. Allele origin: germline. Affected: yes. Observed: 1 variant allele.

Literature cited by the submitters: PubMed 18431453 (cited by Variantyx, Inc. and Labcorp Genetics (formerly Invitae), Labcorp); PubMed 17013395 (cited by Labcorp Genetics (formerly Invitae), Labcorp); PubMed 25678693 (cited by Labcorp Genetics (formerly Invitae), Labcorp).